The following is an entry in ClinVar:

ClinVar aggregate classification (germline): Conflicting classifications of pathogenicity. Review status: criteria provided, conflicting classifications (1 of 4 stars). 2 submissions from 2 submitters: Likely pathogenic (1); Uncertain significance (1). Last evaluated 2025-02-21.

Conditions:
Ciliary dyskinesia, primary, 50 (CILD50). Identifiers: MedGen C5830473, MONDO:0957252, OMIM 620356.

Allele frequency attached by ClinVar (database versions not stated): gnomAD exomes 0.00025; TOPMed 0.00025; ESP Exome Variant Server 0.00008; gnomAD 0.00018; ExAC 0.00024.
gnomAD v4.1: 206 of 1,603,832 alleles (0.013%); highest among the groups gnomAD compares: Middle Eastern, 0.22%; no homozygotes.

Submissions (2):

First Genomix Gene Laboratory, Genetic Diagnostics Department
Classification: Likely pathogenic for Ciliary dyskinesia, primary, 50. Last evaluated: 2025-02-21. Review status: criteria provided, single submitter. Criteria: ACMG Guidelines, 2015. Collection method: clinical testing. Allele origin: germline. Inheritance: Autosomal recessive inheritance. Affected: no. Observed: 1 variant allele.

Breakthrough Genomics
Classification: Uncertain significance. Review status: criteria provided, single submitter. Criteria: ACMG Guidelines, 2015. Collection method: not provided. Allele origin: germline. Inheritance: Unknown mechanism. Affected: yes.

NM_018897.3(DNAH7):c.3025C>T (p.Arg1009Ter)

Gene: DNAH7 (dynein axonemal heavy chain 7; minus strand). Cytogenetic location: 2q32.3.
Variant type: single nucleotide variant.
Coding change: c.3025C>T on transcript NM_018897.3 (MANE Select); coding-DNA position 3025, C replaced by T.
Protein change: p.Arg1009Ter; replaces arginine 1009 with a stop codon.
Molecular consequence: nonsense.
Genome position (GRCh38, 1-based): chr2:195,957,314, G>A on the plus strand (C>T on the coding strand, the complement: DNAH7 is on the minus strand). VCF-style: chr2-195957314-G-A. GRCh37 (hg19) VCF-style: chr2-196822038-G-A.
Other names: short protein forms R1009*.
Identifiers: ClinVar variation 3336813 (VCV003336813.2), dbSNP rs371925699.